The following is an entry in ClinVar:

NM_000501.4(ELN):c.74G>A (p.Arg25Gln)

Gene: ELN (elastin; plus strand). Cytogenetic location: 7q11.23.
Variant type: single nucleotide variant.
Coding change: c.74G>A on transcript NM_000501.4 (MANE Select); coding-DNA position 74, G replaced by A.
Protein change: p.Arg25Gln; replaces arginine 25 with glutamine.
Molecular consequence: missense variant.
Genome position (GRCh38, 1-based): chr7:74,028,261, G>A. VCF-style: chr7-74028261-G-A. GRCh37 (hg19) VCF-style: chr7-73442591-G-A.
Other names: c.74G>A (NM_000501.2); c.74G>A, p.Arg25Gln (NM_001081752.3, NM_001081753.3, NM_001081754.3 and 9 more transcripts); short protein forms R25Q.
Identifiers: ClinVar variation 2140672 (VCV002140672.7), dbSNP rs151272992, ClinGen allele CA4292233.

ClinVar aggregate classification (germline): Conflicting classifications of pathogenicity. Review status: criteria provided, conflicting classifications (1 of 4 stars). 3 submissions from 3 submitters: Uncertain significance (1); Likely benign (2). Last evaluated 2024-10-01.

Conditions:
Inborn genetic diseases. Identifiers: MedGen C0950123, MeSH D030342.
Supravalvar aortic stenosis (SVAS). Also called: Supravalvar aortic stenosis, Eisenberg type. Identifiers: Orphanet 3193, MedGen C0003499, MONDO:0008504, OMIM 185500, HP:0004381.

Allele frequency attached by ClinVar (database versions not stated): gnomAD exomes 0.00001; TOPMed 0.00004; ExAC 0.00006; gnomAD 0.00006; ESP Exome Variant Server 0.00008.
gnomAD v4.1: 28 of 1,607,920 alleles (0.0017%); highest among the groups gnomAD compares: African/African-American, 0.015%; no homozygotes.

Submissions (3):

Blueprint Genetics
Classification: Likely benign. Last evaluated: 2024-10-01. Review status: criteria provided, single submitter. Criteria: ACMG Guidelines, 2015. Collection method: clinical testing. Allele origin: germline.

Ambry Genetics
Classification: Likely benign for Inborn genetic diseases. Last evaluated: 2023-05-31. Review status: criteria provided, single submitter. Criteria: Ambry Variant Classification Scheme 2023. Collection method: clinical testing. Allele origin: germline.

Labcorp Genetics (formerly Invitae), Labcorp
Classification: Uncertain significance for Supravalvar aortic stenosis. Last evaluated: 2022-08-05. Review status: criteria provided, single submitter. Criteria: Invitae Variant Classification Sherloc (09022015). Collection method: clinical testing. Allele origin: germline.
Comment: This sequence change replaces arginine, which is basic and polar, with glutamine, which is neutral and polar, at codon 25 of the ELN protein (p.Arg25Gln). In summary, the available evidence is currently insufficient to determine the role of this variant in disease. Therefore, it has been classified as a Variant of Uncertain Significance. Algorithms developed to predict the effect of missense changes on protein structure and function output the following: SIFT: "Tolerated"; PolyPhen-2: "Not Available"; Align-GVGD: "Class C0". The glutamine amino acid residue is found in multiple mammalian species, which suggests that this missense change does not adversely affect protein function. This variant has not been reported in the literature in individuals affected with ELN-related conditions. This variant is present in population databases (rs151272992, gnomAD 0.01%).